The following is an entry in ClinVar:

ClinVar aggregate classification (germline): Uncertain significance. Review status: criteria provided, multiple submitters, no conflicts (2 of 4 stars). 2 submissions from 2 submitters: Uncertain significance (2). Last evaluated 2024-10-15.

Conditions:
Inborn genetic diseases. Identifiers: MedGen C0950123, MeSH D030342.
Developmental and epileptic encephalopathy, 12 (DEE12). Identifiers: MedGen C3150988, MONDO:0013389, OMIM 613722.

Allele frequency attached by ClinVar (database versions not stated): ExAC 0.00002; TOPMed 0.00002; gnomAD 0.00003.
gnomAD v4.1: 24 of 1,609,920 alleles (0.0015%); highest among the groups gnomAD compares: East Asian, 0.0067%; no homozygotes.

Submissions (2):

Labcorp Genetics (formerly Invitae), Labcorp
Classification: Uncertain significance for Developmental and epileptic encephalopathy, 12. Last evaluated: 2024-10-15. Review status: criteria provided, single submitter. Criteria: Invitae Variant Classification Sherloc (09022015). Collection method: clinical testing. Allele origin: germline.
Comment: This sequence change replaces alanine, which is neutral and non-polar, with threonine, which is neutral and polar, at codon 970 of the PLCB1 protein (p.Ala970Thr). This variant is present in population databases (rs763567304, gnomAD 0.01%). This variant has not been reported in the literature in individuals affected with PLCB1-related conditions. ClinVar contains an entry for this variant (Variation ID: 1025418). Invitae Evidence Modeling of protein sequence and biophysical properties (such as structural, functional, and spatial information, amino acid conservation, physicochemical variation, residue mobility, and thermodynamic stability) indicates that this missense variant is not expected to disrupt PLCB1 protein function with a negative predictive value of 80%. In summary, the available evidence is currently insufficient to determine the role of this variant in disease. Therefore, it has been classified as a Variant of Uncertain Significance.

Ambry Genetics
Classification: Uncertain significance for Inborn genetic diseases. Last evaluated: 2023-12-28. Review status: criteria provided, single submitter. Criteria: Ambry Variant Classification Scheme 2023. Collection method: clinical testing. Allele origin: germline.

NM_015192.4(PLCB1):c.2908G>A (p.Ala970Thr)

Gene: PLCB1 (phospholipase C beta 1; plus strand). Cytogenetic location: 20p12.3.
Variant type: single nucleotide variant.
Coding change: c.2908G>A on transcript NM_015192.4 (MANE Select); coding-DNA position 2908, G replaced by A.
Protein change: p.Ala970Thr; replaces alanine 970 with threonine.
Molecular consequence: missense variant.
Genome position (GRCh38, 1-based): chr20:8,765,336, G>A. VCF-style: chr20-8765336-G-A. GRCh37 (hg19) VCF-style: chr20-8745983-G-A.
Other names: c.2908G>A, p.Ala970Thr (NM_182734.3); c.2908G>A (NM_015192.2); short protein forms A970T.
Identifiers: ClinVar variation 1025418 (VCV001025418.11), dbSNP rs763567304, ClinGen allele CA9760400.
Genomic context (GRCh38, chr20:8,765,336, plus strand): 5'-ACCAAGTATAATGAAATTCAGAATGACTACTTGAGAAGGAGAGCCGCTTTGGAAAAGTCC[G>A]CCAAAAAGGACAGTAAGAAAAAGTAAGTTCAATGAATATTTTTAGTTGGTTTCATAGCAT-3'
Protein context (NP_056007.1, residues 960-980): LRRRAALEKS[Ala970Thr]KKDSKKKSEP